The following is an entry in ClinVar:

ClinVar aggregate classification (germline): Likely pathogenic (1 of 4 stars; one submission).

Conditions:
Spinal muscular atrophy (SMA). Identifiers: MedGen C0026847, MeSH D009134, MONDO:0001516, HP:0007269.

Submission:

Women's Health and Genetics/Laboratory Corporation of America, LabCorp
Classification: Likely pathogenic for Spinal muscular atrophy. Last evaluated: 2023-08-25. Review status: criteria provided, single submitter. Criteria: LabCorp Variant Classification Summary - May 2015. Collection method: clinical testing. Allele origin: germline.
Comment: Variant summary: SMN1 c.*3+4_*3+7delAGTC is located in the 3' UTR and is predicted to affect mRNA splicing resulting in a significantly altered protein due to either exon skipping, shortening, or inclusion of intronic material. Several computational tools predict a significant impact on normal splicing: Three predict the variant abolishes a 5' splicing donor site. At least one publication reports experimental evidence that this variant affects mRNA splicing leading to skipping of Exon 8, which includes to termination codon (e.g., Lefebvre_1995). The variant was absent in 247916 control chromosomes (gnomAD). c.*3+4_*3+7delAGTC has been reported in the literature (referred to as c.888+3delAGTC and c.922+3del4) in at least two individuals affected with Spinal Muscular Atrophy (e.g., Lefebvre_1995, Clermont_2004). These data indicate that the variant is likely to be associated with disease. The following publications have been ascertained in the context of this evaluation (PMID: 15459957, 7813012, 25572663, 32659294). No submitters have reported clinical-significance assessments for this variant to ClinVar after 2014. Additionally, other variants disrupting this same splice site have been reported in patients affected with spinal muscular atrophy (PMIDs: 25572663, 10205265, 32659294) and classified as likely pathogenic by our lab. Based on the evidence outlined above, the variant was classified as likely pathogenic.

Literature cited by the submitters: PubMed 15459957; PubMed 25572663; PubMed 7813012; PubMed 32659294.

NM_000344.4(SMN1):c.*3+4_*3+7del

Gene: SMN1 (survival of motor neuron 1, telomeric). Cytogenetic location: 5q13.2.
Variant type: Deletion.
Coding change: c.*3+4_*3+7del on transcript NM_000344.4 (MANE Select); bases 4 to 7 of the intron after 3 bases downstream of the stop codon, this stretch deleted.
Molecular consequence: intron variant.
Genome position: GRCh38 VCF-style: chr5-70951997-AAGTC-A. GRCh37 (hg19) VCF-style: chr5-70247824-AAGTC-A.
Other names: c.835-441_835-438del (NM_001297715.1); c.*3+4_*3+7del (NM_022874.2).
Identifiers: ClinVar variation 2581366 (VCV002581366.1), dbSNP rs2532152556, ClinGen allele CA2582341578.
Genomic context (GRCh38, chr5:70,951,997, plus strand): 5'-ACAGGGTTTCAGACAAAATCAAAAAGAAGGAAGGTGCTCACATTCCTTAAATTAAGGAGT[AAGTC>A]TGCCAGCATTATGAAAGTGAATCTTACTTTTGTAAAACTTTATGGTTTGTGGAAAACAAA-3'